The following is an entry in ClinVar:

ClinVar aggregate classification (germline): Uncertain significance (1 of 4 stars; one submission).

Allele frequency attached by ClinVar (database versions not stated): ExAC 0.00002; gnomAD exomes 0.00002; TOPMed 0.00002.
gnomAD v4.1: 15 of 1,614,246 alleles (0.00093%); highest among the groups gnomAD compares: Non-Finnish European, 0.000085%; no homozygotes.

Submission:

Labcorp Genetics (formerly Invitae), Labcorp
Classification: Uncertain significance. Last evaluated: 2025-12-01. Review status: criteria provided, single submitter. Criteria: Invitae Variant Classification Sherloc (09022015). Collection method: clinical testing. Allele origin: germline.
Comment: This sequence change replaces valine, which is neutral and non-polar, with alanine, which is neutral and non-polar, at codon 81 of the RHO protein (p.Val81Ala). This variant is present in population databases (rs745643650, gnomAD 0.05%). This variant has not been reported in the literature in individuals affected with RHO-related conditions. ClinVar contains an entry for this variant (Variation ID: 1427042). Invitae Evidence Modeling of protein sequence and biophysical properties (such as structural, functional, and spatial information, amino acid conservation, physicochemical variation, residue mobility, and thermodynamic stability) has been performed for this missense variant. However, the output from this modeling did not meet the statistical confidence thresholds required to predict the impact of this variant on RHO protein function. In summary, the available evidence is currently insufficient to determine the role of this variant in disease. Therefore, it has been classified as a Variant of Uncertain Significance.

NM_000539.3(RHO):c.242T>C (p.Val81Ala)

Gene: RHO (rhodopsin; plus strand). Cytogenetic location: 3q22.1.
Variant type: single nucleotide variant.
Coding change: c.242T>C on transcript NM_000539.3 (MANE Select); coding-DNA position 242, T replaced by C.
Protein change: p.Val81Ala; replaces valine 81 with alanine.
Molecular consequence: missense variant.
Genome position (GRCh38, 1-based): chr3:129,528,975, T>C. VCF-style: chr3-129528975-T-C. GRCh37 (hg19) VCF-style: chr3-129247818-T-C.
Other names: short protein forms V81A.
Identifiers: ClinVar variation 1427042 (VCV001427042.8), dbSNP rs745643650, ClinGen allele CA2607096.